The following is an entry in ClinVar:

NM_024596.5(MCPH1):c.2221C>T (p.Arg741Ter)

Genes: MCPH1 (microcephalin 1; plus strand), MCPH1-AS1 (MCPH1 antisense RNA 1; minus strand). Cytogenetic location: 8p23.1.
Variant type: single nucleotide variant.
Coding change: c.2221C>T on transcript NM_024596.5 (MANE Select); coding-DNA position 2221, C replaced by T.
Protein change: p.Arg741Ter; replaces arginine 741 with a stop codon.
Molecular consequence: nonsense. On other transcripts: non-coding transcript variant (1).
Genome position (GRCh38, 1-based): chr8:6,621,460, C>T. VCF-style: chr8-6621460-C-T. GRCh37 (hg19) VCF-style: chr8-6478981-C-T.
Other names: c.2221C>T, p.Arg741Ter (NM_001322042.2, NM_001363979.1); c.1942C>T, p.Arg648Ter (NM_001363980.2); short protein forms R648*, R741*.
Identifiers: ClinVar variation 1324707 (VCV001324707.10), dbSNP rs374596700, ClinGen allele CA4611463.

ClinVar aggregate classification (germline): Conflicting classifications of pathogenicity. Review status: criteria provided, conflicting classifications (1 of 4 stars). 4 submissions from 4 submitters: Pathogenic (1); Likely pathogenic (2); Likely benign (1). Last evaluated 2026-01-22.

Conditions:
Microcephaly 1, primary, autosomal recessive (MCPH1). Also called: PREMATURE CHROMOSOME CONDENSATION SYNDROME; PCC SYNDROME; PREMATURE CHROMOSOME CONDENSATION WITH MICROCEPHALY AND MENTAL RETARDATION. Identifiers: Orphanet 2512, MedGen C1855081, MONDO:0009617, OMIM 251200.

Allele frequency attached by ClinVar (database versions not stated): gnomAD 0.00005 and 0.00004; ESP Exome Variant Server 0.00008.
gnomAD v4.1: 137 of 1,613,946 alleles (0.0085%); highest among the groups gnomAD compares: Middle Eastern, 0.017%; no homozygotes.

Submissions (4):

Labcorp Genetics (formerly Invitae), Labcorp
Classification: Likely benign. Last evaluated: 2026-01-22. Review status: criteria provided, single submitter. Criteria: Invitae Variant Classification Sherloc (09022015). Collection method: clinical testing. Allele origin: germline.

Fulgent Genetics
Classification: Likely pathogenic for Microcephaly 1, primary, autosomal recessive. Last evaluated: 2024-06-05. Review status: criteria provided, single submitter. Criteria: ACMG Guidelines, 2015. Collection method: clinical testing. Allele origin: germline.

3billion
Classification: Pathogenic for Microcephaly 1, primary, autosomal recessive. Last evaluated: 2022-05-22. Review status: criteria provided, single submitter. Criteria: ACMG Guidelines, 2015. Collection method: clinical testing. Allele origin: germline. Affected: yes. Observed: 1 homozygote.
Comment: The variant is observed at an extremely low frequency in the gnomAD v2.1.1 dataset (total allele frequency: 0.005%). Stop-gained (nonsense): predicted to result in a loss or disruption of normal protein function through nonsense-mediated decay (NMD) or protein truncation. Multiple pathogenic variants are reported downstream of the variant. Therefore, this variant is classified as pathogenic according to the recommendation of ACMG/AMP guideline.

Revvity Omics, Revvity
Classification: Likely pathogenic for Microcephaly 1, primary, autosomal recessive. Last evaluated: 2019-12-23. Review status: criteria provided, single submitter. Criteria: ACMG Guidelines, 2015. Collection method: clinical testing. Allele origin: germline.